The following is an entry in ClinVar:

NM_001166108.2(PALLD):c.1965-12894G>C

Gene: PALLD (palladin, cytoskeletal associated protein; plus strand). Cytogenetic location: 4q32.3.
Variant type: single nucleotide variant.
Coding change: c.1965-12894G>C on transcript NM_001166108.2 (MANE Select); 12894 bases into the intron before coding-DNA position 1965, G replaced by C.
Molecular consequence: intron variant. On other transcripts: missense variant (1).
Genome position (GRCh38, 1-based): chr4:168,878,028, G>C. VCF-style: chr4-168878028-G-C. GRCh37 (hg19) VCF-style: chr4-169799179-G-C.
Other names: c.137G>C, p.Ser46Thr (NM_001166110.2); c.1965-12894G>C (NM_016081.4); c.819-12894G>C (NM_001166109.2); c.-157-12894G>C (NM_001367570.1, NM_001367568.1, NM_001367567.1 and 1 more transcripts); short protein forms S46T.
Identifiers: ClinVar variation 5026239 (VCV005026239.1).
Genomic context (GRCh38, chr4:168,878,028, plus strand): 5'-TCATCGCCGCGCAGAACCTCGGGCCCGCGTCGGGCCACGGCACGCCGGCCTCCAGCCCCA[G>C]CTCGTCCAGCCTCCCGTCGCCCATGTCCCCGACGCCGAGGCAGTTCGGCCGCGCCCCCGT-3'

ClinVar aggregate classification (germline): Uncertain significance (1 of 4 stars; one submission).

gnomAD v4.1: 1 of 1,491,036 alleles (0.000067%); highest among the groups gnomAD compares: African/African-American, 0.0015%; no homozygotes.

Submission:

Ambry Genetics
Classification: Uncertain significance. Last evaluated: 2026-08-10. Review status: criteria provided, single submitter. Criteria: Ambry Variant Classification Scheme 2023. Collection method: clinical testing. Allele origin: germline.
Comment: The p.S46T variant (also known as c.137G>C), located in coding exon 1 of the PALLD gene, results from a G to C substitution at nucleotide position 137. The serine at codon 46 is replaced by threonine, an amino acid with similar properties. This amino acid position is conserved. In addition, this alteration is predicted to be tolerated by in silico analysis. Based on the available evidence, the clinical significance of this variant remains unclear.